The following is an entry in ClinVar:

ClinVar aggregate classification (germline): Uncertain significance (1 of 4 stars; one submission).

Allele frequency attached by ClinVar (database versions not stated): ExAC 0.00001; gnomAD exomes 0.00001.
gnomAD v4.1: 14 of 1,613,972 alleles (0.00087%); highest among the groups gnomAD compares: Admixed American, 0.0017%; no homozygotes.

Submission:

Labcorp Genetics (formerly Invitae), Labcorp
Classification: Uncertain significance. Last evaluated: 2022-06-21. Review status: criteria provided, single submitter. Criteria: Invitae Variant Classification Sherloc (09022015). Collection method: clinical testing. Allele origin: germline.
Comment: This variant has not been reported in the literature in individuals affected with LIFR-related conditions. This sequence change replaces glycine, which is neutral and non-polar, with valine, which is neutral and non-polar, at codon 231 of the LIFR protein (p.Gly231Val). This variant is present in population databases (rs753453999, gnomAD 0.003%). Algorithms developed to predict the effect of missense changes on protein structure and function are either unavailable or do not agree on the potential impact of this missense change (SIFT: "Deleterious"; PolyPhen-2: "Probably Damaging"; Align-GVGD: "Class C0"). In summary, the available evidence is currently insufficient to determine the role of this variant in disease. Therefore, it has been classified as a Variant of Uncertain Significance.

NM_001127671.2(LIFR):c.692G>T (p.Gly231Val)

Gene: LIFR (LIF receptor subunit alpha; minus strand). Cytogenetic location: 5p13.1.
Variant type: single nucleotide variant.
Coding change: c.692G>T on transcript NM_001127671.2 (MANE Select); coding-DNA position 692, G replaced by T.
Protein change: p.Gly231Val; replaces glycine 231 with valine.
Molecular consequence: missense variant.
Genome position (GRCh38, 1-based): chr5:38,511,834, C>A on the plus strand (G>T on the coding strand, the complement: LIFR is on the minus strand). VCF-style: chr5-38511834-C-A. GRCh37 (hg19) VCF-style: chr5-38511936-C-A.
Other names: c.692G>T, p.Gly231Val (NM_001364297.2, NM_001364298.2, NM_002310.6); short protein forms G231V.
Identifiers: ClinVar variation 1900055 (VCV001900055.5), dbSNP rs753453999, ClinGen allele CA3243137.